The following is an entry in ClinVar:

NM_207122.2(EXT2):c.8C>T (p.Ala3Val)

Gene: EXT2 (exostosin glycosyltransferase 2; plus strand). Cytogenetic location: 11p11.2.
Variant type: single nucleotide variant.
Coding change: c.8C>T on transcript NM_207122.2 (MANE Select); coding-DNA position 8, C replaced by T.
Protein change: p.Ala3Val; replaces alanine 3 with valine.
Molecular consequence: missense variant.
Genome position (GRCh38, 1-based): chr11:44,107,720, C>T. VCF-style: chr11-44107720-C-T. GRCh37 (hg19) VCF-style: chr11-44129270-C-T.
Other names: c.107C>T, p.Ala36Val (NM_000401.3); c.8C>T, p.Ala3Val (NM_001178083.3, NM_001389628.1, NM_001389630.1); short protein forms A3V, A36V.
Identifiers: ClinVar variation 304571 (VCV000304571.13), dbSNP rs201185639, ClinGen allele CA5954801.

ClinVar aggregate classification (germline): Likely benign. Review status: criteria provided, multiple submitters, no conflicts (2 of 4 stars). 2 submissions from 2 submitters: Likely benign (2). Last evaluated 2025-12-29.

Conditions:
Exostoses, multiple, type 2 (EXT2). Also called: Hereditary Multiple Osteochondromatosis, Type II; EXOSTOSES, MULTIPLE, TYPE II. Identifiers: Orphanet 321, MedGen C1851413, MONDO:0007586, OMIM 133701.

Allele frequency attached by ClinVar (database versions not stated): gnomAD 0.00005; gnomAD exomes 0.00005 and 0.00020; TOPMed 0.00015; 1000 Genomes Project 30x 0.00016; ExAC 0.00019; 1000 Genomes Project 0.00020.
gnomAD v4.1: 90 of 1,614,088 alleles (0.0056%); highest among the groups gnomAD compares: East Asian, 0.14%; no homozygotes.

Submissions (2):

Labcorp Genetics (formerly Invitae), Labcorp
Classification: Likely benign for Exostoses, multiple, type 2. Last evaluated: 2025-12-29. Review status: criteria provided, single submitter. Criteria: Invitae Variant Classification Sherloc (09022015). Collection method: clinical testing. Allele origin: germline.

Illumina Laboratory Services, Illumina
Classification: Likely benign for Exostoses, multiple, type 2. Last evaluated: 2017-04-28. Review status: criteria provided, single submitter. Criteria: ICSL Variant Classification Criteria 13 December 2019. Collection method: clinical testing. Allele origin: germline.
Comment: This variant was observed as part of a predisposition screen in an ostensibly healthy population. A literature search was performed for the gene, cDNA change, and amino acid change (where applicable). Publications were found based on this search. The evidence from the literature, in combination with allele frequency data from public databases where available, was sufficient to determine this variant is unlikely to cause disease. Therefore, this variant is classified as likely benign.

Literature cited by the submitters: PubMed 22820392 (cited by Illumina Laboratory Services, Illumina).